The following is an entry in ClinVar:

NM_004329.3(BMPR1A):c.81T>C (p.Asp27=)

Gene: BMPR1A (bone morphogenetic protein receptor type 1A; plus strand). Cytogenetic location: 10q23.2.
Variant type: single nucleotide variant.
Coding change: c.81T>C on transcript NM_004329.3 (MANE Select); coding-DNA position 81, T replaced by C.
Protein change: p.Asp27=; no amino-acid change (aspartic acid 27 retained).
Molecular consequence: synonymous variant.
Genome position (GRCh38, 1-based): chr10:86,890,075, T>C. VCF-style: chr10-86890075-T-C. GRCh37 (hg19) VCF-style: chr10-88649832-T-C.
Identifiers: ClinVar variation 763219 (VCV000763219.12), dbSNP rs1589763301, ClinGen allele CA470304480.

ClinVar aggregate classification (germline): Benign/Likely benign. Review status: criteria provided, multiple submitters, no conflicts (2 of 4 stars). 3 submissions from 3 submitters: Benign (1); Likely benign (2). Last evaluated 2024-10-30.

Conditions:
Hereditary cancer-predisposing syndrome. Also called: Tumor predisposition; Hereditary Cancer Syndrome; Neoplastic Syndromes, Hereditary; Hereditary neoplastic syndrome. Identifiers: Orphanet 140162, MedGen C0027672, MeSH D009386, MONDO:0015356.
Juvenile polyposis syndrome (JPS). Identifiers: Orphanet 2929, MedGen C0345893, MONDO:0017380, OMIM 174900.

Submissions (3):

Ambry Genetics
Classification: Likely benign for Hereditary cancer-predisposing syndrome. Last evaluated: 2024-10-30. Review status: criteria provided, single submitter. Criteria: Ambry Variant Classification Scheme 2023. Collection method: clinical testing. Allele origin: germline.

Myriad Genetics, Inc.
Classification: Benign for Juvenile polyposis syndrome. Last evaluated: 2024-07-31. Review status: criteria provided, single submitter. Criteria: Myriad Autosomal Dominant, Autosomal Recessive and X-Linked Classification Criteria (2023). Collection method: clinical testing. Allele origin: unknown.
Comment: This variant is considered benign. This variant is a silent/synonymous amino acid change and it is not expected to impact splicing.

Labcorp Genetics (formerly Invitae), Labcorp
Classification: Likely benign for Juvenile polyposis syndrome. Last evaluated: 2018-05-30. Review status: criteria provided, single submitter. Criteria: Invitae Variant Classification Sherloc (09022015). Collection method: clinical testing. Allele origin: germline.